The following is an entry in ClinVar:

ClinVar aggregate classification (germline): Benign/Likely benign. Review status: criteria provided, multiple submitters, no conflicts (2 of 4 stars). 4 submissions from 4 submitters: Benign (3); Likely benign (1). Last evaluated 2026-01-28.

Conditions:
Familial hypoparathyroidism. Also called: Familial isolated hypoparathyroidism. Identifiers: Orphanet 2238, MedGen C1832648, MONDO:0016390.

Allele frequency attached by ClinVar (database versions not stated): ESP Exome Variant Server 0.00254; gnomAD exomes 0.00340 and 0.00879; gnomAD 0.00552 and 0.00627; TOPMed 0.00576; ExAC 0.00861; 1000 Genomes Project 30x 0.01765; 1000 Genomes Project 0.01977.
gnomAD v4.1: 6,213 of 1,614,054 alleles (0.38%); highest among the groups gnomAD compares: East Asian, 6.7%; 164 homozygotes.

Submissions (4):

Labcorp Genetics (formerly Invitae), Labcorp
Classification: Benign. Last evaluated: 2026-01-28. Review status: criteria provided, single submitter. Criteria: Invitae Variant Classification Sherloc (09022015). Collection method: clinical testing. Allele origin: germline.

Blueprint Genetics
Classification: Likely benign. Last evaluated: 2024-11-20. Review status: criteria provided, single submitter. Criteria: ACMG Guidelines, 2015. Collection method: clinical testing. Allele origin: germline.

GeneDx
Classification: Benign. Last evaluated: 2018-11-11. Review status: criteria provided, single submitter. Criteria: GeneDx Variant Classification Process June 2021. Collection method: clinical testing. Allele origin: germline. Affected: yes.

Illumina Laboratory Services, Illumina
Classification: Benign for Hypoparathyroidism, familial isolated 1. Last evaluated: 2018-01-13. Review status: criteria provided, single submitter. Criteria: ICSL Variant Classification Criteria 13 December 2019. Collection method: clinical testing. Allele origin: germline.
Comment: This variant was observed in the ICSL laboratory as part of a predisposition screen in an ostensibly healthy population. It had not been previously curated by ICSL or reported in the Human Gene Mutation Database (HGMD: prior to June 1st, 2018), and was therefore a candidate for classification through an automated scoring system. Utilizing variant allele frequency, disease prevalence and penetrance estimates, and inheritance mode, an automated score was calculated to assess if this variant is too frequent to cause the disease. Based on the score and internal cut-off values, a variant classified as benign is not then subjected to further curation. The score for this variant resulted in a classification of benign for this disease.

NM_004752.4(GCM2):c.903C>T (p.Asp301=)

Gene: GCM2 (GCM transcription factor 2; minus strand). Cytogenetic location: 6p24.2.
Variant type: single nucleotide variant.
Coding change: c.903C>T on transcript NM_004752.4 (MANE Select); coding-DNA position 903, C replaced by T.
Protein change: p.Asp301=; no amino-acid change (aspartic acid 301 retained).
Molecular consequence: synonymous variant.
Genome position (GRCh38, 1-based): chr6:10,874,613, G>A on the plus strand (C>T on the coding strand, the complement: GCM2 is on the minus strand). VCF-style: chr6-10874613-G-A. GRCh37 (hg19) VCF-style: chr6-10874846-G-A.
Identifiers: ClinVar variation 355011 (VCV000355011.15), dbSNP rs77910271, ClinGen allele CA3633983.